The following is an entry in ClinVar:

NM_023110.3(FGFR1):c.1082-3C>A

Gene: FGFR1 (fibroblast growth factor receptor 1; minus strand). Cytogenetic location: 8p11.23.
Variant type: single nucleotide variant.
Coding change: c.1082-3C>A on transcript NM_023110.3 (MANE Select); 3 bases into the intron before coding-DNA position 1082, C replaced by A.
Molecular consequence: intron variant.
Genome position (GRCh38, 1-based): chr8:38,419,738, G>T on the plus strand (C>A on the coding strand, the complement: FGFR1 is on the minus strand). VCF-style: chr8-38419738-G-T. GRCh37 (hg19) VCF-style: chr8-38277256-G-T.
Other names: c.809-3C>A (NM_001354368.2, NM_001354370.2, NM_023106.3); c.815-3C>A (NM_023105.3, NM_001174066.2); c.1076-3C>A (NM_001354367.2, NM_015850.4, NM_001354369.2 and 1 more transcripts); c.1082-3C>A (NM_001174063.2); c.1058-3C>A (NM_001174064.2); c.1175-3C>A (NM_001174067.2).
Identifiers: ClinVar variation 1706220 (VCV001706220.2), dbSNP rs779686092, ClinGen allele CA4718484.

ClinVar aggregate classification (germline): Uncertain significance (1 of 4 stars; one submission).

Allele frequency attached by ClinVar (database versions not stated): gnomAD exomes below 0.00001; ExAC 0.00001.
gnomAD v4.1: 1 of 1,613,904 alleles (0.000062%); highest among the groups gnomAD compares: South Asian, 0.0011%; no homozygotes.

Submission:

GeneDx
Classification: Uncertain significance. Last evaluated: 2022-03-14. Review status: criteria provided, single submitter. Criteria: GeneDx Variant Classification Process June 2021. Collection method: clinical testing. Allele origin: germline. Affected: yes.
Comment: Not observed at significant frequency in large population cohorts (gnomAD); In silico analysis supports that this variant does not alter splicing; Has not been previously published as pathogenic or benign to our knowledge